The following is an entry in ClinVar:

ClinVar aggregate classification (germline): Uncertain significance (1 of 4 stars; one submission).

Conditions:
Familial hypobetalipoproteinemia 1. Also called: APOB-Related Familial Hypobetalipoproteinemia; Hypobetalipoproteinemia, normotriglyceridemic; Acanthocytosis with hypobetalipoproteinemia. Identifiers: MedGen C4551990, MONDO:0014252, OMIM 615558.
Hypercholesterolemia, autosomal dominant, type B (FHCL2). Also called: Familial Hypercholesterolemia Type B; APOLIPOPROTEIN B-100, FAMILIAL DEFECTIVE; APOLIPOPROTEIN B-100, FAMILIAL LIGAND-DEFECTIVE; HYPERCHOLESTEROLEMIA, FAMILIAL, DUE TO LIGAND-DEFECTIVE APOLIPOPROTEIN B; Hyperlipoproteinemia Type IIb; Familial hypercholesterolemia 2. Identifiers: MedGen C1704417, MONDO:0007751, OMIM 144010.

Submission:

Labcorp Genetics (formerly Invitae), Labcorp
Classification: Uncertain significance for Familial hypobetalipoproteinemia 1; Hypercholesterolemia, autosomal dominant, type B. Last evaluated: 2025-05-26. Review status: criteria provided, single submitter. Criteria: Invitae Variant Classification Sherloc (09022015). Collection method: clinical testing. Allele origin: germline.
Comment: This sequence change replaces serine, which is neutral and polar, with asparagine, which is neutral and polar, at codon 3566 of the APOB protein (p.Ser3566Asn). This variant is not present in population databases (gnomAD no frequency). This variant has not been reported in the literature in individuals affected with APOB-related conditions. ClinVar contains an entry for this variant (Variation ID: 3749848). Invitae Evidence Modeling of protein sequence and biophysical properties (such as structural, functional, and spatial information, amino acid conservation, physicochemical variation, residue mobility, and thermodynamic stability) indicates that this missense variant is not expected to disrupt APOB protein function with a negative predictive value of 95%. In summary, the available evidence is currently insufficient to determine the role of this variant in disease. Therefore, it has been classified as a Variant of Uncertain Significance.

NM_000384.3(APOB):c.10697G>A (p.Ser3566Asn)

Gene: APOB (apolipoprotein B; minus strand). Cytogenetic location: 2p24.1.
Variant type: single nucleotide variant.
Coding change: c.10697G>A on transcript NM_000384.3 (MANE Select); coding-DNA position 10697, G replaced by A.
Protein change: p.Ser3566Asn; replaces serine 3566 with asparagine.
Molecular consequence: missense variant.
Genome position (GRCh38, 1-based): chr2:21,006,171, C>T on the plus strand (G>A on the coding strand, the complement: APOB is on the minus strand). VCF-style: chr2-21006171-C-T. GRCh37 (hg19) VCF-style: chr2-21229043-C-T.
Other names: short protein forms S3566N.
Identifiers: ClinVar variation 3749848 (VCV003749848.2).